The following is an entry in ClinVar:

ClinVar aggregate classification (germline): Uncertain significance. Review status: criteria provided, multiple submitters, no conflicts (2 of 4 stars). 3 submissions from 3 submitters: Uncertain significance (3). Last evaluated 2024-11-11.

Conditions:
Inborn genetic diseases. Identifiers: MedGen C0950123, MeSH D030342.

Allele frequency attached by ClinVar (database versions not stated): ExAC 0.00004; gnomAD exomes 0.00007 and 0.00009; gnomAD 0.00008; TOPMed 0.00008; 1000 Genomes Project 30x 0.00016; 1000 Genomes Project 0.00020; ESP Exome Variant Server 0.00022.
gnomAD v4.1: 115 of 1,551,984 alleles (0.0074%); highest among the groups gnomAD compares: African/African-American, 0.021%; no homozygotes.

Submissions (3):

Labcorp Genetics (formerly Invitae), Labcorp
Classification: Uncertain significance. Last evaluated: 2024-11-11. Review status: criteria provided, single submitter. Criteria: Invitae Variant Classification Sherloc (09022015). Collection method: clinical testing. Allele origin: germline.
Comment: This sequence change replaces glycine, which is neutral and non-polar, with serine, which is neutral and polar, at codon 1336 of the UNC80 protein (p.Gly1336Ser). This variant is present in population databases (rs192000747, gnomAD 0.03%). This variant has not been reported in the literature in individuals affected with UNC80-related conditions. ClinVar contains an entry for this variant (Variation ID: 1367801). An algorithm developed to predict the effect of missense changes on protein structure and function (PolyPhen-2) suggests that this variant¬†is likely to be tolerated. In summary, the available evidence is currently insufficient to determine the role of this variant in disease. Therefore, it has been classified as a Variant of Uncertain Significance.

Blueprint Genetics
Classification: Uncertain significance. Last evaluated: 2024-08-14. Review status: criteria provided, single submitter. Criteria: ACMG Guidelines, 2015. Collection method: clinical testing. Allele origin: germline.

Ambry Genetics
Classification: Uncertain significance for Inborn genetic diseases. Last evaluated: 2024-02-26. Review status: criteria provided, single submitter. Criteria: Ambry Variant Classification Scheme 2023. Collection method: clinical testing. Allele origin: germline.

NM_001371986.1(UNC80):c.4000G>A (p.Gly1334Ser)

Gene: UNC80 (unc-80 subunit of NALCN channel complex; plus strand). Cytogenetic location: 2q34.
Variant type: single nucleotide variant.
Coding change: c.4000G>A on transcript NM_001371986.1 (MANE Select); coding-DNA position 4000, G replaced by A.
Protein change: p.Gly1334Ser; replaces glycine 1334 with serine.
Molecular consequence: missense variant.
Genome position (GRCh38, 1-based): chr2:209,880,984, G>A. VCF-style: chr2-209880984-G-A. GRCh37 (hg19) VCF-style: chr2-210745708-G-A.
Other names: c.4006G>A, p.Gly1336Ser (NM_032504.2); c.3991G>A, p.Gly1331Ser (NM_182587.4); c.4006G>A (NM_032504.1); short protein forms G1336S, G1331S, G1334S.
Identifiers: ClinVar variation 1367801 (VCV001367801.8), dbSNP rs192000747, ClinGen allele CA2083171.